The following is an entry in ClinVar:

ClinVar aggregate classification (germline): Pathogenic (1 of 4 stars; one submission).

Submission:

Labcorp Genetics (formerly Invitae), Labcorp
Classification: Pathogenic. Last evaluated: 2023-05-15. Review status: criteria provided, single submitter. Criteria: Invitae Variant Classification Sherloc (09022015). Collection method: clinical testing. Allele origin: germline.
Comment: This variant is a gross deletion of the genomic region encompassing exon(s) 2 of the CTNNA1 gene, which includes the initiator codon. This deletion extends beyond the assayed region for this gene and therefore may encompass additional genes. It is expected to result in an absent or disrupted protein product. Loss-of-function variants in CTNNA1 are known to be pathogenic (PMID: 32051609, 34425242). This variant has not been reported in the literature in individuals affected with CTNNA1-related conditions. Experimental studies and prediction algorithms are not available or were not evaluated, and the functional significance of this variant is currently unknown. For these reasons, this variant has been classified as Pathogenic.

Literature cited by the submitters: PubMed 32051609; PubMed 34425242.

NC_000005.9:g.(?_138117614)_(138117728_?)del

Gene: CTNNA1 (catenin alpha 1; plus strand). Cytogenetic location: 5q31.2.
Variant type: Deletion.
Identifiers: ClinVar variation 1511774 (VCV001511774.5).